The following is an entry in ClinVar:

ClinVar aggregate classification (germline): Likely benign. Review status: criteria provided, multiple submitters, no conflicts (2 of 4 stars). 3 submissions from 3 submitters: Likely benign (2). 1 of the submissions does not count toward it. Last evaluated 2026-01-31.

Conditions:
REST-related disorder. Also called: REST-related condition.

Allele frequency attached by ClinVar (database versions not stated): ExAC 0.00080; gnomAD exomes 0.00083; 1000 Genomes Project 30x 0.00109; 1000 Genomes Project 0.00120; ESP Exome Variant Server 0.00131; gnomAD 0.00140 and 0.00149; TOPMed 0.00181.
gnomAD v4.1: 835 of 1,613,540 alleles (0.052%); highest among the groups gnomAD compares: African/African-American, 0.4%; 3 homozygotes.

Submissions (3):

Labcorp Genetics (formerly Invitae), Labcorp
Classification: Likely benign. Last evaluated: 2026-01-31. Review status: criteria provided, single submitter. Criteria: Invitae Variant Classification Sherloc (09022015). Collection method: clinical testing. Allele origin: germline.

Blueprint Genetics
Classification: Likely benign. Last evaluated: 2024-10-15. Review status: criteria provided, single submitter. Criteria: ACMG Guidelines, 2015. Collection method: clinical testing. Allele origin: germline.

PreventionGenetics, part of Exact Sciences
Classification: Benign for REST-related condition. Last evaluated: 2020-03-02. Review status: no assertion criteria provided. Collection method: clinical testing. Allele origin: germline. Not counted in ClinVar's aggregate classification.
Comment: This variant is classified as benign based on ACMG/AMP sequence variant interpretation guidelines (Richards et al. 2015 PMID: 25741868, with internal and published modifications).

NM_005612.5(REST):c.2008G>A (p.Val670Met)

Gene: REST (RE1 silencing transcription factor; plus strand). Cytogenetic location: 4q12.
Variant type: single nucleotide variant.
Coding change: c.2008G>A on transcript NM_005612.5 (MANE Select); coding-DNA position 2008, G replaced by A.
Protein change: p.Val670Met; replaces valine 670 with methionine.
Molecular consequence: missense variant.
Genome position (GRCh38, 1-based): chr4:56,930,866, G>A. VCF-style: chr4-56930866-G-A. GRCh37 (hg19) VCF-style: chr4-57797032-G-A.
Other names: c.2008G>A, p.Val670Met (NM_001193508.2, NM_001363453.3); short protein forms V670M.
Identifiers: ClinVar variation 714478 (VCV000714478.13), dbSNP rs145504954, ClinGen allele CA2932385.